The following is an entry in ClinVar:

NM_002336.3(LRP6):c.131C>T (p.Thr44Met)

Gene: LRP6 (LDL receptor related protein 6; minus strand). Cytogenetic location: 12p13.2.
Variant type: single nucleotide variant.
Coding change: c.131C>T on transcript NM_002336.3 (MANE Select); coding-DNA position 131, C replaced by T.
Protein change: p.Thr44Met; replaces threonine 44 with methionine.
Molecular consequence: missense variant.
Genome position (GRCh38, 1-based): chr12:12,244,580, G>A on the plus strand (C>T on the coding strand, the complement: LRP6 is on the minus strand). VCF-style: chr12-12244580-G-A. GRCh37 (hg19) VCF-style: chr12-12397514-G-A.
Other names: c.131C>T, p.Thr44Met (NM_001414244.1, NM_001414245.1, NM_001414246.1 and 6 more transcripts); c.-323C>T (NM_001414253.1); c.-319C>T (NM_001414254.1); c.131C>T (NM_002336.2); short protein forms T44M.
Identifiers: ClinVar variation 1911450 (VCV001911450.6), dbSNP rs1323289035, ClinGen allele CA383946034.
Genomic context (GRCh38, chr12:12,244,580, plus strand): 5'-AAGCCATGACTAAACACAAAGTCCACCGCAGCTGCATCCTCCAAGCCTCCAACTACAATC[G>A]TAGCATTCTCTTTGCCATTTGTAGCATCAACCAATCGCAAGTCCCGTCTGTTTGCATAAA-3'
Protein context (NP_002327.2, residues 34-54): VDATNGKENA[Thr44Met]IVVGGLEDAA

ClinVar aggregate classification (germline): Uncertain significance. Review status: criteria provided, multiple submitters, no conflicts (2 of 4 stars). 2 submissions from 2 submitters: Uncertain significance (2). Last evaluated 2026-04-22.

Conditions:
Inborn genetic diseases. Identifiers: MedGen C0950123, MeSH D030342.

Allele frequency attached by ClinVar (database versions not stated): TOPMed 0.00001; gnomAD 0.00001.
gnomAD v4.1: 51 of 1,613,926 alleles (0.0032%); highest among the groups gnomAD compares: Non-Finnish European, 0.0041%; 1 homozygote.

Submissions (2):

Ambry Genetics
Classification: Uncertain significance for Inborn genetic diseases. Last evaluated: 2026-04-22. Review status: criteria provided, single submitter. Criteria: Ambry Variant Classification Scheme 2023. Collection method: clinical testing. Allele origin: germline.

Labcorp Genetics (formerly Invitae), Labcorp
Classification: Uncertain significance. Last evaluated: 2023-01-23. Review status: criteria provided, single submitter. Criteria: Invitae Variant Classification Sherloc (09022015). Collection method: clinical testing. Allele origin: germline.
Comment: This sequence change replaces threonine, which is neutral and polar, with methionine, which is neutral and non-polar, at codon 44 of the LRP6 protein (p.Thr44Met). This variant is present in population databases (no rsID available, gnomAD 0.0009%). This variant has not been reported in the literature in individuals affected with LRP6-related conditions. Advanced modeling of protein sequence and biophysical properties (such as structural, functional, and spatial information, amino acid conservation, physicochemical variation, residue mobility, and thermodynamic stability) performed at Invitae indicates that this missense variant is not expected to disrupt LRP6 protein function. In summary, the available evidence is currently insufficient to determine the role of this variant in disease. Therefore, it has been classified as a Variant of Uncertain Significance.